The following is an entry in ClinVar:

ClinVar aggregate classification (germline): Pathogenic/Likely pathogenic. Review status: criteria provided, multiple submitters, no conflicts (2 of 4 stars). 6 submissions from 6 submitters: Pathogenic (5); Likely pathogenic (1). Last evaluated 2025-08-01.

Conditions:
Hereditary cancer-predisposing syndrome. Also called: Neoplastic Syndromes, Hereditary; Tumor predisposition; Hereditary neoplastic syndrome; Hereditary Cancer Syndrome. Identifiers: Orphanet 140162, MedGen C0027672, MeSH D009386, MONDO:0015356.
Hereditary breast ovarian cancer syndrome. Also called: Hereditary breast and ovarian cancer syndrome; Hereditary breast and ovarian cancer; Hereditary breast and ovarian cancer syndrome (HBOC); Breast and ovarian cancer; Hereditary breast and/or ovarian cancer syndrome; BRCA1- and BRCA2-Associated Hereditary Breast and Ovarian Cancer. Identifiers: Orphanet 145, MedGen C0677776, MeSH D061325, MONDO:0003582. Disease mechanism: loss of function.
Breast-ovarian cancer, familial, susceptibility to, 2 (BROVCA2). Also called: BRCA2 Hereditary Breast and Ovarian Cancer. Identifiers: Orphanet 145, MedGen C2675520, MONDO:0012933, OMIM 612555. Disease mechanism: loss of function.

Submissions (6):

Ambry Genetics
Classification: Likely pathogenic for Hereditary cancer-predisposing syndrome. Last evaluated: 2025-08-01. Review status: criteria provided, single submitter. Criteria: Ambry Variant Classification Scheme 2023. Collection method: clinical testing. Allele origin: germline.
Comment: The c.7436-2A>T intronic variant results from an A to T substitution two nucleotides upstream from coding exon 14 in the BRCA2 gene. This alteration was identified in an individual diagnosed with breast cancer (De Talhouet S et al. Sci Rep, 2020 Apr;10:7073). This variant is considered to be rare based on population cohorts in the Genome Aggregation Database (gnomAD).This nucleotide position is well conserved in available vertebrate species. In silico splice site analysis predicts that this alteration will weaken the native splice acceptor site and will result in the creation or strengthening of a novel splice acceptor site. Alterations that disrupt the canonical splice site are expected to cause aberrant splicing, resulting in an abnormal protein or a transcript that is subject to nonsense-mediated mRNA decay. As such, this alteration is classified as likely pathogenic.

MGZ Medical Genetics Center
Classification: Pathogenic for Breast-ovarian cancer, familial, susceptibility to, 2. Last evaluated: 2022-09-05. Review status: criteria provided, single submitter. Criteria: ACMG Guidelines, 2015. Collection method: clinical testing. Allele origin: germline. Affected: yes. Observed: 1 variant allele.
Comment: ACMG criteria applied: PVS1, PS3, PS4_MOD, PM2_SUP

Color Diagnostics, LLC DBA Color Health
Classification: Pathogenic for Hereditary cancer-predisposing syndrome. Last evaluated: 2020-05-21. Review status: criteria provided, single submitter. Criteria: ACMG Guidelines, 2015. Collection method: clinical testing. Allele origin: germline.
Comment: This variant causes an A to T nucleotide substitution at the -2 position of intron 14 of the BRCA2 gene. Splice site prediction tools suggest that this variant may have a significant impact on RNA splicing. Functional RNA studies have shown that this variant causes the use of an alternative splice acceptor site 13-nucleotide downstream of the reference splice site, creating a frameshift and premature translation stop signal in the RNA transcript (PMID: 22505045, 31191615). This aberrant transcript is expected to result in an absent or non-functional protein product. This variant has been reported in individuals with personal and/or family history of breast and/or ovarian cancer (PMID: 20858050, 22505045, 24549055, 26010302, Color internal data). This variant has not been identified in the general population by the Genome Aggregation Database (gnomAD). Loss of BRCA2 function is a known mechanism of disease. Based on the available evidence, this variant is classified as Pathogenic.

Laboratory for Molecular Medicine, Mass General Brigham Personalized Medicine
Classification: Pathogenic for Hereditary breast ovarian cancer syndrome. Last evaluated: 2017-07-20. Review status: criteria provided, single submitter. Criteria: LMM Criteria. Collection method: clinical testing. Allele origin: germline. Inheritance: Autosomal dominant inheritance. Observed: 1 variant allele.
Comment: The c.7436-2A>T variant in BRCA2 has been reported in 2 individuals with BRCA2-a ssociated cancer (Castera 2014) and was absent from large population studies. It has also been reported by other clinical laboratories in ClinVar (Variation ID 52330). This variant occurs in the invariant region (+/- 1,2) of the splice cons ensus sequence and is predicted to cause altered splicing leading to an abnormal or absent protein. Heterozygous loss of function of the BRCA2 gene is an establ ished disease mechanism in individuals with hereditary breast and ovarian cancer (HBOC). In summary, this variant meets criteria to be classified as pathogenic for HBOC in an autosomal dominant manner based upon presence in affected individ uals, absence in the general population and predicted impact to the protein.

Women's Health and Genetics/Laboratory Corporation of America, LabCorp
Classification: Pathogenic for Hereditary breast ovarian cancer syndrome. Last evaluated: 2016-04-08. Review status: criteria provided, single submitter. Criteria: LabCorp Variant Classification Summary - May 2015. Collection method: clinical testing. Allele origin: germline.
Comment: Variant summary: The c.7436-2A>T variant involves the alteration of a conserved nucleotide resulting in an intronic change. This variant is located at a position that is widely known to affect splicing and 5/5 splicing prediction programs via Alamut predict the loss of a splice acceptor site. These predictions have been confirmed by functional studies of patient mRNA which shows the variant to have a severe impact on splicing (Houdayer_2012). The variant is absent from the large, broad ExAC control population and has been reported in multiple affected individuals in the literature. Reputable clinical databases have classified the variant as "pathogenic". One publications cites the variant in an individual who also carries a potentially pathogenic BRCA1 variant (De Brakeleer_2015), which does not rule out the pathogenicity of the variant of interest. Taken together, this variant has been reported in affected individuals and has been shown to result in splicing defects, therefore it has been classified as a Pathogenic.

Consortium of Investigators of Modifiers of BRCA1/2 (CIMBA), c/o University of Cambridge
Classification: Pathogenic for Breast-ovarian cancer, familial, susceptibility to, 2. Last evaluated: 2015-10-02. Review status: criteria provided, single submitter. Criteria: CIMBA Mutation Classification guidelines May 2016. Collection method: clinical testing. Allele origin: germline.

Literature cited by the submitters: PubMed 20858050 (cited by Ambry Genetics and Women's Health and Genetics/Laboratory Corporation of America, LabCorp); PubMed 32341426 (cited by Ambry Genetics); PubMed 24549055 (cited by Laboratory for Molecular Medicine, Mass General Brigham Personalized Medicine and Women's Health and Genetics/Laboratory Corporation of America, LabCorp); PubMed 22762150 (cited by Women's Health and Genetics/Laboratory Corporation of America, LabCorp); PubMed 22505045 (cited by Women's Health and Genetics/Laboratory Corporation of America, LabCorp); PubMed 24156927 (cited by Women's Health and Genetics/Laboratory Corporation of America, LabCorp); PubMed 26010302 (cited by Women's Health and Genetics/Laboratory Corporation of America, LabCorp).

NM_000059.4(BRCA2):c.7436-2A>T

Gene: BRCA2 (BRCA2 DNA repair associated; plus strand). Cytogenetic location: 13q13.1.
Variant type: single nucleotide variant.
Coding change: c.7436-2A>T on transcript NM_000059.4 (MANE Select); the canonical splice acceptor site of the intron before coding-DNA position 7436, A replaced by T.
Molecular consequence: splice acceptor variant.
Genome position (GRCh38, 1-based): chr13:32,356,426, A>T. VCF-style: chr13-32356426-A-T. GRCh37 (hg19) VCF-style: chr13-32930563-A-T.
Other names: c.7436-2A>T (NM_001406720.1); c.7340-2A>T (NM_001406719.1); c.2504-2A>T (NM_001406721.1); c.1019-2A>T (NM_001406722.1).
Identifiers: ClinVar variation 52330 (VCV000052330.14), dbSNP rs397507917, ClinGen allele CA025085.